The following is an entry in ClinVar:

ClinVar aggregate classification (germline): Uncertain significance (1 of 4 stars; one submission).

Conditions:
Autism spectrum disorder. Also called: Autism spectrum disorders. Identifiers: MedGen C1510586, MeSH D000067877, MONDO:0005258.

Allele frequency attached by ClinVar (database versions not stated): TOPMed below 0.00001; gnomAD 0.00001; ESP Exome Variant Server 0.00008.
gnomAD v4.1: 32 of 1,613,302 alleles (0.002%); highest among the groups gnomAD compares: South Asian, 0.0044%; no homozygotes.

Submission:

Laboratorio de Genetica e Diagnostico Molecular, Hospital Israelita Albert Einstein
Classification: Uncertain significance for Autism spectrum disorder. Last evaluated: 2022-07-15. Review status: criteria provided, single submitter. Criteria: ACMG Guidelines, 2015. Collection method: clinical testing. Allele origin: germline. Affected: yes. Observed: 1 variant allele.
Comment: ACMG classification criteria: PM2 moderated, PP3 supporting

NM_032531.4(KIRREL3):c.613C>T (p.Arg205Trp)

Gene: KIRREL3 (kirre like nephrin family adhesion molecule 3; minus strand). Cytogenetic location: 11q24.2.
Variant type: single nucleotide variant.
Coding change: c.613C>T on transcript NM_032531.4 (MANE Select); coding-DNA position 613, C replaced by T.
Protein change: p.Arg205Trp; replaces arginine 205 with tryptophan.
Molecular consequence: missense variant.
Genome position (GRCh38, 1-based): chr11:126,463,286, G>A on the plus strand (C>T on the coding strand, the complement: KIRREL3 is on the minus strand). VCF-style: chr11-126463286-G-A. GRCh37 (hg19) VCF-style: chr11-126333181-G-A.
Other names: c.613C>T, p.Arg205Trp (NM_001161707.2, NM_001301097.2); short protein forms R205W.
Identifiers: ClinVar variation 2431592 (VCV002431592.2), dbSNP rs370309110, ClinGen allele CA230619090.